The following is an entry in ClinVar:

ClinVar aggregate classification (germline): Uncertain significance (1 of 4 stars; one submission).

Allele frequency attached by ClinVar (database versions not stated): gnomAD 0.00001.
gnomAD v4.1: 15 of 1,613,884 alleles (0.00093%); highest among the groups gnomAD compares: Non-Finnish European, 0.0013%; no homozygotes.

Submission:

Labcorp Genetics (formerly Invitae), Labcorp
Classification: Uncertain significance. Last evaluated: 2021-10-18. Review status: criteria provided, single submitter. Criteria: Invitae Variant Classification Sherloc (09022015). Collection method: clinical testing. Allele origin: germline.
Comment: This sequence change replaces glutamic acid with aspartic acid at codon 1798 of the CEP250 protein (p.Glu1798Asp). The glutamic acid residue is moderately conserved and there is a small physicochemical difference between glutamic acid and aspartic acid. This variant is not present in population databases (ExAC no frequency). This variant has not been reported in the literature in individuals affected with CEP250-related conditions. Algorithms developed to predict the effect of missense changes on protein structure and function are either unavailable or do not agree on the potential impact of this missense change (SIFT: "Not Available"; PolyPhen-2: "Possibly Damaging"; Align-GVGD: "Not Available"). In summary, the available evidence is currently insufficient to determine the role of this variant in disease. Therefore, it has been classified as a Variant of Uncertain Significance.

NM_007186.6(CEP250):c.5394G>C (p.Glu1798Asp)

Gene: CEP250 (centrosomal protein 250; plus strand). Cytogenetic location: 20q11.22.
Variant type: single nucleotide variant.
Coding change: c.5394G>C on transcript NM_007186.6 (MANE Select); coding-DNA position 5394, G replaced by C.
Protein change: p.Glu1798Asp; replaces glutamic acid 1798 with aspartic acid.
Molecular consequence: missense variant.
Genome position (GRCh38, 1-based): chr20:35,503,763, G>C. VCF-style: chr20-35503763-G-C. GRCh37 (hg19) VCF-style: chr20-34091591-G-C.
Other names: c.3498G>C, p.Glu1166Asp (NM_001318219.1); short protein forms E1166D, E1798D.
Identifiers: ClinVar variation 1346755 (VCV001346755.3), dbSNP rs1568835615, ClinGen allele CA408752838.